The following is an entry in ClinVar:

ClinVar aggregate classification (germline): Uncertain significance (0 of 4 stars; one submission).

Conditions:
SEMA3B-related disorder. Also called: SEMA3B-related condition.

Allele frequency attached by ClinVar (database versions not stated): 1000 Genomes Project 30x 0.00016; 1000 Genomes Project 0.00020; TOPMed 0.00013; gnomAD 0.00019.
gnomAD v4.1: 69 of 1,528,620 alleles (0.0045%); highest among the groups gnomAD compares: African/African-American, 0.067%; no homozygotes.

Submission:

PreventionGenetics, part of Exact Sciences
Classification: Uncertain significance for SEMA3B-related condition. Last evaluated: 2024-08-12. Review status: no assertion criteria provided. Collection method: clinical testing. Allele origin: germline.
Comment: The SEMA3B c.1894C>G variant is predicted to result in the amino acid substitution p.Arg632Gly. To our knowledge, this variant has not been reported in the literature. This variant is reported in 0.062% of alleles in individuals of African descent in gnomAD, which may be too common to be a primary cause of disease. Although we suspect that this variant may be benign, at this time, the clinical significance of this variant is uncertain due to the absence of conclusive functional and genetic evidence.

NM_001290060.2(SEMA3B):c.1879C>G (p.Arg627Gly)

Gene: SEMA3B (semaphorin 3B; plus strand). Cytogenetic location: 3p21.31.
Variant type: single nucleotide variant.
Coding change: c.1879C>G on transcript NM_001290060.2 (MANE Select); coding-DNA position 1879, C replaced by G.
Protein change: p.Arg627Gly; replaces arginine 627 with glycine.
Molecular consequence: missense variant. On other transcripts: non-coding transcript variant (1).
Genome position (GRCh38, 1-based): chr3:50,276,335, C>G. VCF-style: chr3-50276335-C-G. GRCh37 (hg19) VCF-style: chr3-50313766-C-G.
Other names: c.1876C>G, p.Arg626Gly (NM_001005914.3); c.1894C>G, p.Arg632Gly (NM_001290061.1); c.850C>G, p.Arg284Gly (NM_001290062.2, NM_001290063.2); c.1879C>G, p.Arg627Gly (NM_004636.4); short protein forms R284G, R626G, R627G, R632G.
Identifiers: ClinVar variation 3031861 (VCV003031861.2), dbSNP rs587624682, ClinGen allele CA74624838.
Genomic context (GRCh38, chr3:50,276,335, plus strand): 5'-CCGCCTCACGCTGCCCTCTGCCCGCAGGTGCTGGCAGAGGAGCGCACCGAGCGCACCGCC[C>G]GGGGACTACTGCTGCGCAGGCTGCGGCGCCGGGACTCGGGCGTGTACTTGTGCGCCGCCG-3'
Protein context (NP_001276989.1, residues 617-637): LAEERTERTA[Arg627Gly]GLLLRRLRRR